The following is an entry in ClinVar:

NM_001039591.3(USP9X):c.2059A>G (p.Asn687Asp)

Gene: USP9X (ubiquitin specific peptidase 9 X-linked; plus strand). Cytogenetic location: Xp11.4.
Variant type: single nucleotide variant.
Coding change: c.2059A>G on transcript NM_001039591.3 (MANE Select); coding-DNA position 2059, A replaced by G.
Protein change: p.Asn687Asp; replaces asparagine 687 with aspartic acid.
Molecular consequence: missense variant.
Genome position (GRCh38, 1-based): chrX:41,165,945, A>G. VCF-style: chrX-41165945-A-G. GRCh37 (hg19) VCF-style: chrX-41025198-A-G.
Other names: c.2059A>G, p.Asn687Asp (NM_001039590.3); c.2074A>G, p.Asn692Asp (NM_001410748.1, NM_001410749.1, NM_001437534.1); short protein forms N687D, N692D.
Identifiers: ClinVar variation 4538691 (VCV004538691.1).

ClinVar aggregate classification (germline): Uncertain significance (1 of 4 stars; one submission).

Submission:

GeneDx
Classification: Uncertain significance. Last evaluated: 2025-06-16. Review status: criteria provided, single submitter. Criteria: GeneDx Variant Classification Process June 2021. Collection method: clinical testing. Allele origin: germline. Affected: yes.
Comment: Not observed at significant frequency in large population cohorts (gnomAD); In silico analysis supports that this missense variant has a deleterious effect on protein structure/function; Has not been previously published as pathogenic or benign to our knowledge